The following is an entry in ClinVar:

ClinVar aggregate classification (germline): Uncertain significance (1 of 4 stars; one submission).

Submission:

ISCA site 14
Classification: Uncertain significance. Last evaluated: 2011-08-12. Review status: criteria provided, single submitter. Criteria: Kaminsky et al. (Genet Med. 2011). Collection method: clinical testing. Allele origin: paternal. Affected: yes. Observed: 1 variant allele.
Comment: Copy number variation identified through the course of routine clinical cytogenomic testing in postnatal populations. Clinical assertions have been curated as described in Kaminsky et al. 2011.

GRCh38/hg38 16q24.1(chr16:85568964-85843360)x1

Genes: C16orf74 (chromosome 16 open reading frame 74; minus strand), COX4I1 (cytochrome c oxidase subunit 4I1; plus strand), EMC8 (ER membrane protein complex subunit 8; minus strand), GINS2 (GINS complex subunit 2; minus strand), GSE1 (Gse1 coiled-coil protein; plus strand) and 28 more. Cytogenetic location: 16q24.1.
Variant type: copy number loss.
Change: copy number 1 (one copy instead of two) of chr16:85,568,964-85,843,360 (274.4 kb, GRCh38 coordinates, 1-based), cytogenetic band 16q24.1.
Identifiers: ClinVar variation 58269 (VCV000058269.1).